The following is an entry in ClinVar:

NM_000187.4(HGD):c.469+6T>C

Gene: HGD (homogentisate 1,2-dioxygenase; minus strand). Cytogenetic location: 3q13.33.
Variant type: single nucleotide variant.
Coding change: c.469+6T>C on transcript NM_000187.4 (MANE Select); 6 bases into the intron after coding-DNA position 469, T replaced by C.
Molecular consequence: intron variant.
Genome position (GRCh38, 1-based): chr3:120,647,871, A>G on the plus strand (T>C on the coding strand, the complement: HGD is on the minus strand). VCF-style: chr3-120647871-A-G. GRCh37 (hg19) VCF-style: chr3-120366718-A-G.
Identifiers: ClinVar variation 2584716 (VCV002584716.3), dbSNP rs2472705278, ClinGen allele CA2582342882.

ClinVar aggregate classification (germline): Uncertain significance. Review status: criteria provided, single submitter (1 of 4 stars). 2 submissions from 2 submitters: Uncertain significance (1). 1 of the submissions does not count toward it. Last evaluated 2019-03-28.

Conditions:
Alkaptonuria (AKU). Also called: HOMOGENTISIC ACID OXIDASE DEFICIENCY; Homogentisic acidura; Alkaptonuric ochronosis; Alcaptonuria. Identifiers: Orphanet 56, MedGen C0002066, MONDO:0008753, OMIM 203500.

Submissions (2):

Blueprint Genetics
Classification: Uncertain significance. Last evaluated: 2019-03-28. Review status: criteria provided, single submitter. Criteria: ACMG Guidelines, 2015. Collection method: clinical testing. Allele origin: germline.

Department Of Human Genetics, Institute Of Clinical And Translational Research, Biomedical Research Center, Slovak Academy Of Sciences
Classification: Pathogenic for Alkaptonuria. Review status: no assertion criteria provided. Collection method: research. Allele origin: germline. Inheritance: Autosomal recessive inheritance. Affected: yes. Observed: 6 variant alleles. Not counted in ClinVar's aggregate classification.
Comment: The variant was originally described in PMID:25804398. It has been submitted to the HGD gene mutation database (DB-ID: AKU_00159).

Literature cited by the submitters: PubMed 25804398 (cited by Department Of Human Genetics, Institute Of Clinical And Translational Research, Biomedical Research Center, Slovak Academy Of Sciences).